The following is an entry in ClinVar:

NM_005188.4(CBL):c.2593A>G (p.Met865Val)

Gene: CBL (Cbl proto-oncogene; plus strand). Cytogenetic location: 11q23.3.
Variant type: single nucleotide variant.
Coding change: c.2593A>G on transcript NM_005188.4 (MANE Select); coding-DNA position 2593, A replaced by G.
Protein change: p.Met865Val; replaces methionine 865 with valine.
Molecular consequence: missense variant.
Genome position (GRCh38, 1-based): chr11:119,299,653, A>G. VCF-style: chr11-119299653-A-G. GRCh37 (hg19) VCF-style: chr11-119170363-A-G.
Other names: short protein forms M865V.
Identifiers: ClinVar variation 4613848 (VCV004613848.1).
Genomic context (GRCh38, chr11:119,299,653, plus strand): 5'-GGTCCTGCCGCCTCTGCTGCCACCGCCTCACCTCAGCTCTCCAGTGAGATCGAGAACCTC[A>G]TGAGTCAGGGGTACTCCTACCAGGACATCCAGAAAGCTTTGGTCATTGCCCAGAACAACA-3'
Protein context (NP_005179.2, residues 855-875): PQLSSEIENL[Met865Val]SQGYSYQDIQ

ClinVar aggregate classification (germline): Uncertain significance (1 of 4 stars; one submission).

Conditions:
Cardiovascular phenotype. Identifiers: MedGen CN230736.

gnomAD v4.1: 1 of 1,614,150 alleles (0.000062%); highest among the groups gnomAD compares: Non-Finnish European, 0.000085%; no homozygotes.

Submission:

Ambry Genetics
Classification: Uncertain significance for Cardiovascular phenotype. Last evaluated: 2025-10-26. Review status: criteria provided, single submitter. Criteria: Ambry Variant Classification Scheme 2023. Collection method: clinical testing. Allele origin: germline.
Comment: The p.M865V variant (also known as c.2593A>G), located in coding exon 16 of the CBL gene, results from an A to G substitution at nucleotide position 2593. The methionine at codon 865 is replaced by valine, an amino acid with highly similar properties. This amino acid position is conserved. In addition, this alteration is predicted to be tolerated by in silico analysis. Based on the available evidence, the clinical significance of this variant remains unclear.